The following is an entry in ClinVar:

ClinVar aggregate classification (germline): Likely pathogenic (1 of 4 stars; one submission).

Conditions:
Smith-Lemli-Opitz syndrome (SLOS). Also called: LETHAL ACRODYSGENITAL SYNDROME; POLYDACTYLY, SEX REVERSAL, RENAL HYPOPLASIA, AND UNILOBAR LUNG; RSH SYNDROME; RUTLEDGE LETHAL MULTIPLE CONGENITAL ANOMALY SYNDROME; 7-Dehydrocholesterol reductase deficiency. Identifiers: Orphanet 818, MedGen C0175694, MONDO:0010035, OMIM 270400.

Submission:

Labcorp Genetics (formerly Invitae), Labcorp
Classification: Likely pathogenic for Smith-Lemli-Opitz syndrome. Last evaluated: 2020-08-26. Review status: criteria provided, single submitter. Criteria: Invitae Variant Classification Sherloc (09022015). Collection method: clinical testing. Allele origin: germline.
Comment: This variant is not present in population databases (ExAC no frequency). In summary, the currently available evidence indicates that the variant is pathogenic, but additional data are needed to prove that conclusively. Therefore, this variant has been classified as Likely Pathogenic. Advanced modeling of protein sequence and biophysical properties (such as structural, functional, and spatial information, amino acid conservation, physicochemical variation, residue mobility, and thermodynamic stability) performed at Invitae indicates that this missense variant is expected to disrupt DHCR7 protein function. This variant has been observed in individual(s) with Smith-Lemli-Opitz syndrome (PMID: 23293579). This sequence change replaces tyrosine with cysteine at codon 125 of the DHCR7 protein (p.Tyr125Cys). The tyrosine residue is highly conserved and there is a large physicochemical difference between tyrosine and cysteine.

Literature cited by the submitters: PubMed 23293579.

NM_001360.3(DHCR7):c.374A>G (p.Tyr125Cys)

Gene: DHCR7 (7-dehydrocholesterol reductase; minus strand). Cytogenetic location: 11q13.4.
Variant type: single nucleotide variant.
Coding change: c.374A>G on transcript NM_001360.3 (MANE Select); coding-DNA position 374, A replaced by G.
Protein change: p.Tyr125Cys; replaces tyrosine 125 with cysteine.
Molecular consequence: missense variant.
Genome position (GRCh38, 1-based): chr11:71,442,301, T>C on the plus strand (A>G on the coding strand, the complement: DHCR7 is on the minus strand). VCF-style: chr11-71442301-T-C. GRCh37 (hg19) VCF-style: chr11-71153347-T-C.
Other names: c.374A>G, p.Tyr125Cys (NM_001163817.2); short protein forms Y125C.
Identifiers: ClinVar variation 1066908 (VCV001066908.9), dbSNP rs2135945513, ClinGen allele CA381694941.